The following is an entry in ClinVar:

NM_000059.4(BRCA2):c.4539_4540insCGAT (p.Glu1514delinsArgTer)

Gene: BRCA2 (BRCA2 DNA repair associated; plus strand). Cytogenetic location: 13q13.1.
Variant type: Insertion.
Coding change: c.4539_4540insCGAT on transcript NM_000059.4 (MANE Select); coding-DNA positions 4539 to 4540, CGAT inserted.
Protein change: p.Glu1514delinsArgTer.
Molecular consequence: nonsense.
Genome position: GRCh38 VCF-style: chr13-32338891-T-TGATC. GRCh37 (hg19) VCF-style: chr13-32913028-T-TGATC.
Identifiers: ClinVar variation 548399 (VCV000548399.3), dbSNP rs1555283829, ClinGen allele CA658823596.

ClinVar aggregate classification (germline): Pathogenic (3 of 4 stars; one submission).

Conditions:
Breast-ovarian cancer, familial, susceptibility to, 2 (BROVCA2). Also called: BRCA2 Hereditary Breast and Ovarian Cancer. Identifiers: Orphanet 145, MedGen C2675520, MONDO:0012933, OMIM 612555. Disease mechanism: loss of function.

Submission:

Evidence-based Network for the Interpretation of Germline Mutant Alleles (ENIGMA)
Classification: Pathogenic for Breast-ovarian cancer, familial, susceptibility to, 2. Last evaluated: 2017-12-15. Review status: reviewed by expert panel. Criteria: ENIGMA BRCA1/2 Classification Criteria (2017-06-29). Collection method: curation. Allele origin: germline. Study: ENIGMA.
Comment: Variant allele predicted to encode a truncated non-functional protein.